The following is an entry in ClinVar:

ClinVar aggregate classification (germline): Uncertain significance (1 of 4 stars; one submission).

Conditions:
Christianson syndrome (MRXSCH). Also called: SLC9A6-Related Syndromic Mental Retardation; X-linked mental retardation, syndromic, Christianson type; INTELLECTUAL DEVELOPMENTAL DISORDER, X-LINKED, SYNDROMIC, CHRISTIANSON TYPE. Identifiers: Orphanet 85278, MedGen C2678194, MONDO:0010278, OMIM 300243.

Submission:

Labcorp Genetics (formerly Invitae), Labcorp
Classification: Uncertain significance for Christianson syndrome. Last evaluated: 2022-08-09. Review status: criteria provided, single submitter. Criteria: Invitae Variant Classification Sherloc (09022015). Collection method: clinical testing. Allele origin: germline.
Comment: In summary, the available evidence is currently insufficient to determine the role of this variant in disease. Therefore, it has been classified as a Variant of Uncertain Significance. Algorithms developed to predict the effect of missense changes on protein structure and function are either unavailable or do not agree on the potential impact of this missense change (SIFT: "Tolerated"; PolyPhen-2: "Probably Damaging"; Align-GVGD: "Class C0"). ClinVar contains an entry for this variant (Variation ID: 1380830). This variant has not been reported in the literature in individuals affected with SLC9A6-related conditions. This variant is not present in population databases (gnomAD no frequency). This sequence change replaces asparagine, which is neutral and polar, with serine, which is neutral and polar, at codon 428 of the SLC9A6 protein (p.Asn428Ser).

NM_001379110.1(SLC9A6):c.1223A>G (p.Asn408Ser)

Gene: SLC9A6 (solute carrier family 9 member A6; plus strand). Cytogenetic location: Xq26.3.
Variant type: single nucleotide variant.
Coding change: c.1223A>G on transcript NM_001379110.1 (MANE Select); coding-DNA position 1223, A replaced by G.
Protein change: p.Asn408Ser; replaces asparagine 408 with serine.
Molecular consequence: missense variant.
Genome position (GRCh38, 1-based): chrX:136,022,614, A>G. VCF-style: chrX-136022614-A-G. GRCh37 (hg19) VCF-style: chrX-135104773-A-G.
Other names: c.1379A>G, p.Asn460Ser (NM_001042537.2); c.1223A>G, p.Asn408Ser (NM_001177651.2); c.1127A>G, p.Asn376Ser (NM_001330652.2); c.1283A>G, p.Asn428Ser (NM_006359.3); short protein forms N376S, N428S, N408S, N460S.
Identifiers: ClinVar variation 1380830 (VCV001380830.6), dbSNP rs2148186858, ClinGen allele CA414754186.
Genomic context (GRCh38, chrX:136,022,614, plus strand): 5'-TGAAATGATCCTTAACCTATTAATAATTTTAGGTTGCTATTTTCTTGGGAAGAGCTGCCA[A>G]TATTTACCCCTTGTCCCTCTTACTTAATTTGGGTAGAAGAAGTAAGATTGGATCAAATTT-3'
Protein context (NP_001366039.1, residues 398-418): FVAIFLGRAA[Asn408Ser]IYPLSLLLNL